The following is an entry in ClinVar:

NM_001267550.2(TTN):c.46696+4A>G

Genes: TTN (titin; minus strand), TTN-AS1 (TTN antisense RNA 1; plus strand). Cytogenetic location: 2q31.2.
Variant type: single nucleotide variant.
Coding change: c.46696+4A>G on transcript NM_001267550.2 (MANE Select); 4 bases into the intron after coding-DNA position 46696, A replaced by G.
Molecular consequence: intron variant.
Genome position (GRCh38, 1-based): chr2:178,619,617, T>C on the plus strand (A>G on the coding strand, the complement: TTN is on the minus strand). VCF-style: chr2-178619617-T-C. GRCh37 (hg19) VCF-style: chr2-179484344-T-C.
Other names: c.19501+4A>G (NM_003319.4); c.20077+4A>G (NM_133437.4); c.19876+4A>G (NM_133432.3); c.38992+4A>G (NM_133378.4); c.41773+4A>G (NM_001256850.1).
Identifiers: ClinVar variation 535033 (VCV000535033.1), dbSNP rs1553713646, ClinGen allele CA430111544.

ClinVar aggregate classification (germline): Uncertain significance (1 of 4 stars; one submission).

Conditions:
Autosomal recessive limb-girdle muscular dystrophy type 2J (LGMDR10). Also called: Limb-girdle muscular dystrophy, type 2J; MUSCULAR DYSTROPHY, LIMB-GIRDLE, AUTOSOMAL RECESSIVE 10. Identifiers: Orphanet 140922, MedGen C1837342, MONDO:0012127, OMIM 608807.
Dilated cardiomyopathy 1G (CMD1G). Identifiers: Orphanet 154, MedGen C1858763, MONDO:0011400, OMIM 604145.

Submission:

Labcorp Genetics (formerly Invitae), Labcorp
Classification: Uncertain significance for Dilated cardiomyopathy 1G; Autosomal recessive limb-girdle muscular dystrophy type 2J. Last evaluated: 2017-12-28. Review status: criteria provided, single submitter. Criteria: Invitae Variant Classification Sherloc (09022015). Collection method: clinical testing. Allele origin: germline.
Comment: This sequence change falls in intron 250 of the TTN gene. It does not directly change the encoded amino acid sequence of the TTN protein, but it affects a nucleotide within the consensus splice site of the intron. This variant is not present in population databases (ExAC no frequency). This variant has not been reported in the literature in individuals with TTN-related disease. Nucleotide substitutions within the consensus splice site are a relatively common cause of aberrant splicing (PMID: 17576681, 9536098). Algorithms developed to predict the effect of sequence changes on RNA splicing suggest that this variant may disrupt the consensus splice site, but this prediction has not been confirmed by published transcriptional studies. In summary, although this is a novel truncating variant, truncating variants in this region of the TTN gene have been shown to be highly prevalent in the TTN gene in the general population and unaffected individuals (PMID: 26701604, 22335739). However, truncating mutations in this region have also been reported to cause autosomal recessive congenital myopathy (PMID: 23975875). Therefore without additional functional and/or genetic data, this variant has been classified as a Variant of Uncertain Significance.

Literature cited by the submitters: PubMed 26701604; PubMed 23975875; PubMed 22335739.